The following is an entry in ClinVar:

NM_000059.4(BRCA2):c.368_372del (p.Lys123fs)

Gene: BRCA2 (BRCA2 DNA repair associated; plus strand). Cytogenetic location: 13q13.1.
Variant type: Deletion.
Coding change: c.368_372del on transcript NM_000059.4 (MANE Select); coding-DNA positions 368 to 372, 5 bases deleted (AAATG; older notation c.368_372delAAATG).
Protein change: p.Lys123fs; shifts the reading frame from lysine 123.
Molecular consequence: frameshift variant.
Genome position (GRCh38, 1-based): chr13:32,325,127-32,325,131, AAATG deleted. VCF-style (leftmost placement, unchanged base first): chr13-32325126-AAAATG-A. GRCh37 (hg19) VCF-style: chr13-32899263-AAAATG-A.
Other names: 596del5; short protein forms K123fs.
Identifiers: ClinVar variation 266764 (VCV000266764.5), dbSNP rs886040488, ClinGen allele CA10589020.

ClinVar aggregate classification (germline): Pathogenic. Review status: reviewed by expert panel (3 of 4 stars). 2 submissions from 2 submitters: Pathogenic (1). 1 of the submissions does not count toward it. Last evaluated 2016-10-18.

Conditions:
Breast-ovarian cancer, familial, susceptibility to, 2 (BROVCA2). Also called: BRCA2 Hereditary Breast and Ovarian Cancer. Identifiers: Orphanet 145, MedGen C2675520, MONDO:0012933, OMIM 612555. Disease mechanism: loss of function.

Submissions (2):

Evidence-based Network for the Interpretation of Germline Mutant Alleles (ENIGMA)
Classification: Pathogenic for Breast-ovarian cancer, familial, susceptibility to, 2. Last evaluated: 2016-10-18. Review status: reviewed by expert panel. Criteria: ENIGMA BRCA1/2 Classification Criteria (2015). Collection method: curation. Allele origin: germline.
Comment: Variant allele predicted to encode a truncated non-functional protein.

Consortium of Investigators of Modifiers of BRCA1/2 (CIMBA), c/o University of Cambridge
Classification: Pathogenic for Breast-ovarian cancer, familial, susceptibility to, 2. Last evaluated: 2015-10-02. Review status: criteria provided, single submitter. Criteria: CIMBA Mutation Classification guidelines May 2016. Collection method: clinical testing. Allele origin: germline. Not counted in ClinVar's aggregate classification.